The following is an entry in ClinVar:

ClinVar aggregate classification (germline): Uncertain significance (1 of 4 stars; one submission).

Allele frequency attached by ClinVar (database versions not stated): gnomAD exomes below 0.00001; gnomAD 0.00001.
gnomAD v4.1: 3 of 1,603,908 alleles (0.00019%); highest among the groups gnomAD compares: East Asian, 0.0022%; no homozygotes.

Submission:

Labcorp Genetics (formerly Invitae), Labcorp
Classification: Uncertain significance. Last evaluated: 2024-12-10. Review status: criteria provided, single submitter. Criteria: Invitae Variant Classification Sherloc (09022015). Collection method: clinical testing. Allele origin: germline.
Comment: This sequence change replaces methionine, which is neutral and non-polar, with valine, which is neutral and non-polar, at codon 431 of the NFKB1 protein (p.Met431Val). This variant is present in population databases (no rsID available, gnomAD 0.005%). This variant has not been reported in the literature in individuals affected with NFKB1-related conditions. ClinVar contains an entry for this variant (Variation ID: 2191540). An algorithm developed to predict the effect of missense changes on protein structure and function (PolyPhen-2) suggests that this variant is likely to be tolerated. In summary, the available evidence is currently insufficient to determine the role of this variant in disease. Therefore, it has been classified as a Variant of Uncertain Significance.

NM_003998.4(NFKB1):c.1291A>G (p.Met431Val)

Gene: NFKB1 (nuclear factor kappa B subunit 1; plus strand). Cytogenetic location: 4q24.
Variant type: single nucleotide variant.
Coding change: c.1291A>G on transcript NM_003998.4 (MANE Select); coding-DNA position 1291, A replaced by G.
Protein change: p.Met431Val; replaces methionine 431 with valine.
Molecular consequence: missense variant.
Genome position (GRCh38, 1-based): chr4:102,594,972, A>G. VCF-style: chr4-102594972-A-G. GRCh37 (hg19) VCF-style: chr4-103516129-A-G.
Other names: c.1288A>G, p.Met430Val (NM_001165412.2, NM_001319226.2, NM_001382627.1); c.1291A>G, p.Met431Val (NM_001382625.1, NM_001382626.1); c.1249A>G, p.Met417Val (NM_001382628.1); short protein forms M417V, M431V, M430V.
Identifiers: ClinVar variation 2191540 (VCV002191540.4), dbSNP rs1191100232, ClinGen allele CA357750763.